The following is an entry in ClinVar:

NM_006231.4(POLE):c.5072_5073delinsTT (p.Arg1691Leu)

Gene: POLE (DNA polymerase epsilon, catalytic subunit; minus strand). Cytogenetic location: 12q24.33.
Variant type: Indel.
Coding change: c.5072_5073delinsTT on transcript NM_006231.4 (MANE Select); coding-DNA positions 5072 to 5073, GC replaced by TT.
Protein change: p.Arg1691Leu; replaces arginine 1691 with leucine.
Molecular consequence: missense variant.
Genome position (GRCh38, 1-based): chr12:132,642,277-132,642,278, GC replaced by AA on the plus strand (GC replaced by TT on the coding strand, the reverse complement: POLE is on the minus strand). VCF-style: chr12-132642277-GC-AA. GRCh37 (hg19) VCF-style: chr12-133218863-GC-AA.
Other names: short protein forms R1691L.
Identifiers: ClinVar variation 4862240 (VCV004862240.1).

ClinVar aggregate classification (germline): Uncertain significance (1 of 4 stars; one submission).

Conditions:
Hereditary cancer-predisposing syndrome. Also called: Neoplastic Syndromes, Hereditary; Tumor predisposition; Hereditary Cancer Syndrome; Hereditary neoplastic syndrome. Identifiers: Orphanet 140162, MedGen C0027672, MeSH D009386, MONDO:0015356.

Submission:

Ambry Genetics
Classification: Uncertain significance for Hereditary cancer-predisposing syndrome. Last evaluated: 2026-03-22. Review status: criteria provided, single submitter. Criteria: Ambry Variant Classification Scheme 2023. Collection method: clinical testing. Allele origin: germline.
Comment: The c.5072_5073delGCinsTT variant, located in coding exon 38 of the POLE gene, results from an in-frame deletion of GC and insertion of TT at nucleotide positions 5072 to 5073. This results in the substitution of the arginine residue for a leucine residue at codon 1691, an amino acid with dissimilar properties. This amino acid position is highly conserved in available vertebrate species. In addition, the in silico prediction for this variant is inconclusive. Based on the available evidence, the clinical significance of this variant remains unclear.